The following is an entry in ClinVar:

ClinVar aggregate classification (germline): Uncertain significance. Review status: criteria provided, multiple submitters, no conflicts (2 of 4 stars). 2 submissions from 2 submitters: Uncertain significance (2). Last evaluated 2025-06-30.

Conditions:
Cardiovascular phenotype. Identifiers: MedGen CN230736.
Brugada syndrome. Also called: Sudden Unexplained Death Syndrome; Sudden Unexplained Nocturnal Death Syndrome (SUNDS); Sudden unexpected nocturnal death syndrome; Sudden unexplained nocturnal death syndrome. Identifiers: Orphanet 130, MedGen C1142166, MONDO:0015263.

Submissions (2):

Ambry Genetics
Classification: Uncertain significance for Cardiovascular phenotype. Last evaluated: 2025-06-30. Review status: criteria provided, single submitter. Criteria: Ambry Variant Classification Scheme 2023. Collection method: clinical testing. Allele origin: germline.
Comment: The p.G143A variant (also known as c.428G>C), located in coding exon 4 of the GPD1L gene, results from a G to C substitution at nucleotide position 428. The glycine at codon 143 is replaced by alanine, an amino acid with similar properties. This amino acid position is conserved. In addition, this alteration is predicted to be tolerated by in silico analysis. Based on the available evidence, the clinical significance of this variant remains unclear.

Labcorp Genetics (formerly Invitae), Labcorp
Classification: Uncertain significance for Brugada syndrome. Last evaluated: 2021-08-07. Review status: criteria provided, single submitter. Criteria: Invitae Variant Classification Sherloc (09022015). Collection method: clinical testing. Allele origin: germline.
Comment: This sequence change replaces glycine with alanine at codon 143 of the GPD1L protein (p.Gly143Ala). The glycine residue is highly conserved and there is a small physicochemical difference between glycine and alanine. This variant has not been reported in the literature in individuals affected with GPD1L-related conditions. This variant is not present in population databases (ExAC no frequency). In summary, the available evidence is currently insufficient to determine the role of this variant in disease. Therefore, it has been classified as a Variant of Uncertain Significance. Algorithms developed to predict the effect of missense changes on protein structure and function are either unavailable or do not agree on the potential impact of this missense change (SIFT: "Deleterious"; PolyPhen-2: "Benign"; Align-GVGD: "Class C0").

NM_015141.4(GPD1L):c.428G>C (p.Gly143Ala)

Gene: GPD1L (glycerol-3-phosphate dehydrogenase 1 like; plus strand). Cytogenetic location: 3p22.3.
Variant type: single nucleotide variant.
Coding change: c.428G>C on transcript NM_015141.4 (MANE Select); coding-DNA position 428, G replaced by C.
Protein change: p.Gly143Ala; replaces glycine 143 with alanine.
Molecular consequence: missense variant.
Genome position (GRCh38, 1-based): chr3:32,140,289, G>C. VCF-style: chr3-32140289-G-C. GRCh37 (hg19) VCF-style: chr3-32181781-G-C.
Other names: c.428G>C (NM_015141.3); short protein forms G143A.
Identifiers: ClinVar variation 1365737 (VCV001365737.7), dbSNP rs989262156, ClinGen allele CA351974755.